The following is an entry in ClinVar:

NM_020884.7(MYH7B):c.4322G>A (p.Arg1441Gln)

Gene: MYH7B (myosin heavy chain 7B; plus strand). Cytogenetic location: 20q11.22.
Variant type: single nucleotide variant.
Coding change: c.4322G>A on transcript NM_020884.7 (MANE Select); coding-DNA position 4322, G replaced by A.
Protein change: p.Arg1441Gln; replaces arginine 1441 with glutamine.
Molecular consequence: missense variant.
Genome position (GRCh38, 1-based): chr20:34,999,187, G>A. VCF-style: chr20-34999187-G-A. GRCh37 (hg19) VCF-style: chr20-33586990-G-A.
Other names: short protein forms R1441Q.
Identifiers: ClinVar variation 2778772 (VCV002778772.3), dbSNP rs1256739178, ClinGen allele CA408714973.

ClinVar aggregate classification (germline): Uncertain significance (1 of 4 stars; one submission).

Allele frequency attached by ClinVar (database versions not stated): TOPMed 0.00001.
gnomAD v4.1: 22 of 1,613,138 alleles (0.0014%); highest among the groups gnomAD compares: Admixed American, 0.005%; no homozygotes.

Submission:

Labcorp Genetics (formerly Invitae), Labcorp
Classification: Uncertain significance. Last evaluated: 2024-01-07. Review status: criteria provided, single submitter. Criteria: Invitae Variant Classification Sherloc (09022015). Collection method: clinical testing. Allele origin: germline.
Comment: This sequence change replaces arginine, which is basic and polar, with glutamine, which is neutral and polar, at codon 1483 of the MYH7B protein (p.Arg1483Gln). This variant is present in population databases (no rsID available, gnomAD 0.006%). This variant has not been reported in the literature in individuals affected with MYH7B-related conditions. Advanced modeling of protein sequence and biophysical properties (such as structural, functional, and spatial information, amino acid conservation, physicochemical variation, residue mobility, and thermodynamic stability) performed at Invitae indicates that this missense variant is not expected to disrupt MYH7B protein function with a negative predictive value of 80%. In summary, the available evidence is currently insufficient to determine the role of this variant in disease. Therefore, it has been classified as a Variant of Uncertain Significance.